The following is an entry in ClinVar:

ClinVar aggregate classification (germline): Uncertain significance. Review status: criteria provided, multiple submitters, no conflicts (2 of 4 stars). 2 submissions from 2 submitters: Uncertain significance (2). Last evaluated 2024-05-08.

Conditions:
Hereditary cancer-predisposing syndrome. Also called: Tumor predisposition; Neoplastic Syndromes, Hereditary; Hereditary neoplastic syndrome; Hereditary Cancer Syndrome. Identifiers: Orphanet 140162, MedGen C0027672, MeSH D009386, MONDO:0015356.
Oligodontia-cancer predisposition syndrome. Also called: TOOTH AGENESIS-COLORECTAL CANCER SYNDROME. Identifiers: Orphanet 300576, MedGen C1837750, MONDO:0012075, OMIM 608615. Disease mechanism: loss of function.

Allele frequency attached by ClinVar (database versions not stated): TOPMed below 0.00001.

Submissions (2):

Ambry Genetics
Classification: Uncertain significance for Hereditary cancer-predisposing syndrome. Last evaluated: 2024-05-08. Review status: criteria provided, single submitter. Criteria: Ambry Variant Classification Scheme 2023. Collection method: clinical testing. Allele origin: germline.
Comment: The p.G249R variant (also known as c.745G>C), located in coding exon 1 of the AXIN2 gene, results from a G to C substitution at nucleotide position 745. The glycine at codon 249 is replaced by arginine, an amino acid with dissimilar properties. This amino acid position is highly conserved in available vertebrate species. In addition, the in silico prediction for this alteration is inconclusive. Based on the available evidence, the clinical significance of this variant remains unclear.

Labcorp Genetics (formerly Invitae), Labcorp
Classification: Uncertain significance for Oligodontia-cancer predisposition syndrome. Last evaluated: 2024-04-30. Review status: criteria provided, single submitter. Criteria: Invitae Variant Classification Sherloc (09022015). Collection method: clinical testing. Allele origin: germline.
Comment: This sequence change replaces glycine, which is neutral and non-polar, with arginine, which is basic and polar, at codon 249 of the AXIN2 protein (p.Gly249Arg). This variant is not present in population databases (gnomAD no frequency). This variant has not been reported in the literature in individuals affected with AXIN2-related conditions. ClinVar contains an entry for this variant (Variation ID: 1019819). Advanced modeling of protein sequence and biophysical properties (such as structural, functional, and spatial information, amino acid conservation, physicochemical variation, residue mobility, and thermodynamic stability) performed at Invitae indicates that this missense variant is not expected to disrupt AXIN2 protein function with a negative predictive value of 80%. In summary, the available evidence is currently insufficient to determine the role of this variant in disease. Therefore, it has been classified as a Variant of Uncertain Significance.

NM_004655.4(AXIN2):c.745G>C (p.Gly249Arg)

Gene: AXIN2 (axin 2; minus strand). Cytogenetic location: 17q24.1.
Variant type: single nucleotide variant.
Coding change: c.745G>C on transcript NM_004655.4 (MANE Select); coding-DNA position 745, G replaced by C.
Protein change: p.Gly249Arg; replaces glycine 249 with arginine.
Molecular consequence: missense variant.
Genome position (GRCh38, 1-based): chr17:65,557,876, C>G on the plus strand (G>C on the coding strand, the complement: AXIN2 is on the minus strand). VCF-style: chr17-65557876-C-G. GRCh37 (hg19) VCF-style: chr17-63553994-C-G.
Other names: c.745G>C, p.Gly249Arg (NM_001363813.1); c.745G>C (NM_004655.3); short protein forms G249R.
Identifiers: ClinVar variation 1019819 (VCV001019819.9), dbSNP rs2044293609, ClinGen allele CA400680364.